The following is an entry in ClinVar:

ClinVar aggregate classification (germline): Likely benign (1 of 4 stars; one submission).

Conditions:
Breast-ovarian cancer, familial, susceptibility to, 1 (BROVCA1). Also called: OVARIAN CANCER, SUSCEPTIBILITY TO; BRCA1 Hereditary Breast and Ovarian Cancer. Identifiers: Orphanet 145, MedGen C2676676, MONDO:0011450, OMIM 604370. Disease mechanism: loss of function.

gnomAD v4.1: 1 of 1,614,198 alleles (0.000062%); highest among the groups gnomAD compares: Non-Finnish European, 0.000085%; no homozygotes.

Submission:

Cancer Bioinformatics and Tumour Evolution Laboratory, Monash University
Classification: Likely benign for Breast-ovarian cancer, familial, susceptibility to, 1. Last evaluated: 2026-05-01. Review status: criteria provided, single submitter. Criteria: ClinGen BRCA1 and BRCA2 Guidelines, 2024. Collection method: curation. Allele origin: germline. Inheritance: Autosomal dominant inheritance.
Comment: Missense variant outside of a functional domain with no splice impact. BRCA1 and BRCA2 VCEP guidelines recommend application of BP1_Strong (PMID: 39142283)

NM_007294.4(BRCA1):c.3810C>G (p.Cys1270Trp)

Genes: BRCA1 (BRCA1 DNA repair associated; minus strand), LOC126862571 (BRD4-independent group 4 enhancer GRCh37_chr17:41243136-41244335; plus strand). Cytogenetic location: 17q21.31.
Variant type: single nucleotide variant.
Coding change: c.3810C>G on transcript NM_007294.4 (MANE Select); coding-DNA position 3810, C replaced by G.
Protein change: p.Cys1270Trp; replaces cysteine 1270 with tryptophan.
Molecular consequence: missense variant. On other transcripts: intron variant (135).
Genome position (GRCh38, 1-based): chr17:43,091,721, G>C on the plus strand (C>G on the coding strand, the complement: BRCA1 is on the minus strand). VCF-style: chr17-43091721-G-C. GRCh37 (hg19) VCF-style: chr17-41243738-G-C.
Other names: c.578-689C>G (NM_001408492.1, NM_001408513.1, NM_001408489.1 and 9 more transcripts); c.644-689C>G (NM_001408468.1, NM_001408465.1, NM_001408463.1 and 3 more transcripts); c.524-689C>G (NM_001408501.1, NM_001408500.1, NM_001408497.1 and 3 more transcripts); c.647-689C>G (NM_001408455.1, NM_001408466.1, NM_001408452.1 and 11 more transcripts); c.521-689C>G (NM_001408503.1, NM_001408505.1, NM_001408504.1); c.788-689C>G (NM_001407973.1, NM_001408403.1, NM_001407983.1 and 17 more transcripts); c.404-689C>G (NM_001408511.1); c.461-689C>G (NM_001408507.1, NM_001408506.1); and 41 more; short protein forms C1102W, C1142W, C1143W, C1158W, C1159W, C1181W, C1182W, C1199W.
Identifiers: ClinVar variation 4856553 (VCV004856553.1).